The following is an entry in ClinVar:

ClinVar aggregate classification (germline): Benign/Likely benign. Review status: criteria provided, multiple submitters, no conflicts (2 of 4 stars). 3 submissions from 3 submitters: Benign (1); Likely benign (2). Last evaluated 2024-07-22.

Conditions:
Hereditary cancer-predisposing syndrome. Also called: Neoplastic Syndromes, Hereditary; Tumor predisposition; Hereditary Cancer Syndrome; Hereditary neoplastic syndrome. Identifiers: Orphanet 140162, MedGen C0027672, MeSH D009386, MONDO:0015356.
Familial cancer of breast. Also called: BREAST CANCER, FAMILIAL; hereditary breast carcinoma; Hereditary breast cancer. Identifiers: Orphanet 227535, MedGen C0346153, MONDO:0016419, OMIM 114480. Disease mechanism: loss of function.

Allele frequency attached by ClinVar (database versions not stated): gnomAD exomes below 0.00001.
gnomAD v4.1: 4 of 1,613,774 alleles (0.00025%); highest among the groups gnomAD compares: Non-Finnish European, 0.00034%; no homozygotes.

Submissions (3):

Myriad Genetics, Inc.
Classification: Benign for Familial cancer of breast. Last evaluated: 2024-07-22. Review status: criteria provided, single submitter. Criteria: Myriad Autosomal Dominant, Autosomal Recessive and X-Linked Classification Criteria (2023). Collection method: clinical testing. Allele origin: unknown.
Comment: This variant is considered benign. This variant is a silent/synonymous amino acid change and it is not expected to impact splicing.

Labcorp Genetics (formerly Invitae), Labcorp
Classification: Likely benign for Familial cancer of breast. Last evaluated: 2021-08-28. Review status: criteria provided, single submitter. Criteria: Invitae Variant Classification Sherloc (09022015). Collection method: clinical testing. Allele origin: germline.

Color Diagnostics, LLC DBA Color Health
Classification: Likely benign for Hereditary cancer-predisposing syndrome. Last evaluated: 2019-04-03. Review status: criteria provided, single submitter. Criteria: ACMG Guidelines, 2015. Collection method: clinical testing. Allele origin: germline.

NM_000465.4(BARD1):c.492A>G (p.Gln164=)

Gene: BARD1 (BRCA1 associated RING domain 1; minus strand). Cytogenetic location: 2q35.
Variant type: single nucleotide variant.
Coding change: c.492A>G on transcript NM_000465.4 (MANE Select); coding-DNA position 492, A replaced by G.
Protein change: p.Gln164=; no amino-acid change (glutamine 164 retained).
Molecular consequence: synonymous variant. On other transcripts: non-coding transcript variant (2), intron variant (3).
Genome position (GRCh38, 1-based): chr2:214,781,382, T>C on the plus strand (A>G on the coding strand, the complement: BARD1 is on the minus strand). VCF-style: chr2-214781382-T-C. GRCh37 (hg19) VCF-style: chr2-215646106-T-C.
Other names: c.435A>G, p.Gln145= (NM_001282543.2); c.158+28030A>G (NM_001282548.2); c.215+15679A>G (NM_001282545.2); c.364+10915A>G (NM_001282549.2).
Identifiers: ClinVar variation 923133 (VCV000923133.12), dbSNP rs1241515847, ClinGen allele CA431135849.
Genomic context (GRCh38, chr2:214,781,382, plus strand): 5'-GGAAACAAATTCATATGAGTCTTGCTGAGCACTTGCATCTTTTTTTATTGCAGGCTGGGT[T>C]TGCACTGAAGCTTTACTCACAACATATCTGACTTTCTTACTTCGAGGGCTAAACCACATT-3'
Protein context (NP_000456.2, residues 154-174): VRYVVSKASV[Gln164=]TQPAIKKDAS